The following is an entry in ClinVar:

ClinVar aggregate classification (germline): Likely pathogenic (0 of 4 stars; one submission).

Conditions:
Gaucher disease type I (GD1). Also called: GAUCHER DISEASE, NONCEREBRAL JUVENILE; GBA DEFICIENCY; GD I; GLUCOCEREBROSIDASE DEFICIENCY; Type 1 Gaucher Disease; GD 1. Identifiers: Orphanet 355, Orphanet 77259, MedGen C1961835, MONDO:0009265, OMIM 230800.

Submission:

Foundation for Research in Genetics and Endocrinology, FRIGE's Institute of Human Genetics
Classification: Likely pathogenic for Gaucher disease type I. Last evaluated: 2013-12-17. Review status: no assertion criteria provided. Collection method: research. Allele origin: germline. Inheritance: Autosomal recessive inheritance. Affected: yes. Observed: 1 homozygote.
Comment: Variant c.415G>C/p.A139P (ENST00000368373) was found to be pathogenic by online software like Mutation Taster and Polyphen-2.

NM_000157.4(GBA1):c.415G>C (p.Ala139Pro)

Genes: GBA1 (glucosylceramidase beta 1; minus strand), LOC106627981 (GBA recombination region; plus strand). Cytogenetic location: 1q22.
Variant type: single nucleotide variant.
Coding change: c.415G>C on transcript NM_000157.4 (MANE Select); coding-DNA position 415, G replaced by C.
Protein change: p.Ala139Pro; replaces alanine 139 with proline.
Molecular consequence: missense variant. On other transcripts: intron variant (1).
Genome position (GRCh38, 1-based): chr1:155,239,655, C>G on the plus strand (G>C on the coding strand, the complement: GBA1 is on the minus strand). VCF-style: chr1-155239655-C-G. GRCh37 (hg19) VCF-style: chr1-155209446-C-G.
Other names: c.415G>C, p.Ala139Pro (NM_001005741.3, NM_001005742.3); c.154G>C, p.Ala52Pro (NM_001171811.2); c.307+231G>C (NM_001171812.2); short protein forms A139P, A52P.
Identifiers: ClinVar variation 236399 (VCV000236399.3), dbSNP rs878853314, ClinGen allele CA10581620.
Genomic context (GRCh38, chr1:155,239,655, plus strand): 5'-TCTTGTCCCCTTCCTCCTCACCTTCTTCAGAGAAGTACGATTTAAGTAGCAAATTTTGGG[C>G]AGGGGGTGACAGGGCAAGGATGTTGAGAGCAGCAGCATCTGTCATGGCCCCTCCAAATCC-3'
Protein context (NP_000148.2, residues 129-149): ALNILALSPP[Ala139Pro]QNLLLKSYFS